The following is an entry in ClinVar:

NM_052813.5(CARD9):c.1391C>T (p.Pro464Leu)

Gene: CARD9 (caspase recruitment domain family member 9; minus strand). Cytogenetic location: 9q34.3.
Variant type: single nucleotide variant.
Coding change: c.1391C>T on transcript NM_052813.5 (MANE Select); coding-DNA position 1391, C replaced by T.
Protein change: p.Pro464Leu; replaces proline 464 with leucine.
Molecular consequence: missense variant.
Genome position (GRCh38, 1-based): chr9:136,365,184, G>A on the plus strand (C>T on the coding strand, the complement: CARD9 is on the minus strand). VCF-style: chr9-136365184-G-A. GRCh37 (hg19) VCF-style: chr9-139259636-G-A.
Other names: c.1391C>T, p.Pro464Leu (NM_052814.4); short protein forms P464L.
Identifiers: ClinVar variation 1063101 (VCV001063101.9), dbSNP rs1266195975, ClinGen allele CA375541879.

ClinVar aggregate classification (germline): Uncertain significance (1 of 4 stars; one submission).

Conditions:
Predisposition to invasive fungal disease due to CARD9 deficiency (IMD103). Also called: IMMUNODEFICIENCY 103, SUSCEPTIBILITY TO FUNGAL INFECTIONS; CARD9 IMMUNODEFICIENCY; Candidiasis, familial, 2, autosomal recessive. Identifiers: Orphanet 457088, MedGen C1859353, MONDO:0008905, OMIM 212050.

Allele frequency attached by ClinVar (database versions not stated): gnomAD exomes below 0.00001 and 0.00001.
gnomAD v4.1: 7 of 1,610,760 alleles (0.00043%); highest among the groups gnomAD compares: Non-Finnish European, 0.00059%; no homozygotes.

Submission:

Labcorp Genetics (formerly Invitae), Labcorp
Classification: Uncertain significance for Predisposition to invasive fungal disease due to CARD9 deficiency. Last evaluated: 2023-08-17. Review status: criteria provided, single submitter. Criteria: Invitae Variant Classification Sherloc (09022015). Collection method: clinical testing. Allele origin: germline.
Comment: An algorithm developed to predict the effect of missense changes on protein structure and function (PolyPhen-2) suggests that this variant is likely to be tolerated. In summary, the available evidence is currently insufficient to determine the role of this variant in disease. Therefore, it has been classified as a Variant of Uncertain Significance. ClinVar contains an entry for this variant (Variation ID: 1063101). This sequence change replaces proline, which is neutral and non-polar, with leucine, which is neutral and non-polar, at codon 464 of the CARD9 protein (p.Pro464Leu). This variant is present in population databases (no rsID available, gnomAD 0.0009%). This variant has not been reported in the literature in individuals affected with CARD9-related conditions.